The following is an entry in ClinVar:

ClinVar aggregate classification (germline): Benign/Likely benign. Review status: criteria provided, multiple submitters, no conflicts (2 of 4 stars). 4 submissions from 4 submitters: Benign (2); Likely benign (2). Last evaluated 2026-02-17.

Conditions:
Brugada syndrome. Also called: Sudden unexpected nocturnal death syndrome; Sudden unexplained nocturnal death syndrome; Sudden Unexplained Death Syndrome; Sudden Unexplained Nocturnal Death Syndrome (SUNDS). Identifiers: Orphanet 130, MedGen C1142166, MONDO:0015263.
Cardiovascular phenotype. Identifiers: MedGen CN230736.
SCN10A-related disorder. Also called: SCN10A-related condition.

Allele frequency attached by ClinVar (database versions not stated): gnomAD exomes 0.00008 and 0.00028; gnomAD 0.00009 and 0.00013; TOPMed 0.00018; ExAC 0.00026; 1000 Genomes Project 30x 0.00125; 1000 Genomes Project 0.00140.
gnomAD v4.1: 131 of 1,614,166 alleles (0.0081%); highest among the groups gnomAD compares: East Asian, 0.26%; 2 homozygotes.

Submissions (4):

PreventionGenetics, part of Exact Sciences
Classification: Benign for SCN10A-related condition. Last evaluated: 2026-02-17. Review status: criteria provided, single submitter. Criteria: ACMG Guidelines, 2015. Collection method: clinical testing. Allele origin: germline.
Comment: This variant is classified as benign based on ACMG/AMP sequence variant interpretation guidelines (Richards et al. 2015 PMID: 25741868, with internal and published modifications).

Labcorp Genetics (formerly Invitae), Labcorp
Classification: Benign for Brugada syndrome. Last evaluated: 2025-12-15. Review status: criteria provided, single submitter. Criteria: Invitae Variant Classification Sherloc (09022015). Collection method: clinical testing. Allele origin: germline.

Blueprint Genetics
Classification: Likely benign. Last evaluated: 2024-07-10. Review status: criteria provided, single submitter. Criteria: ACMG Guidelines, 2015. Collection method: clinical testing. Allele origin: germline.

Ambry Genetics
Classification: Likely benign for Cardiovascular phenotype. Last evaluated: 2019-08-19. Review status: criteria provided, single submitter. Criteria: Ambry Variant Classification Scheme 2023. Collection method: clinical testing. Allele origin: germline.

NM_006514.4(SCN10A):c.5628C>G (p.Thr1876=)

Gene: SCN10A (sodium voltage-gated channel alpha subunit 10; minus strand). Cytogenetic location: 3p22.2.
Variant type: single nucleotide variant.
Coding change: c.5628C>G on transcript NM_006514.4 (MANE Select); coding-DNA position 5628, C replaced by G.
Protein change: p.Thr1876=; no amino-acid change (threonine 1876 retained).
Molecular consequence: synonymous variant.
Genome position (GRCh38, 1-based): chr3:38,697,592, G>C on the plus strand (C>G on the coding strand, the complement: SCN10A is on the minus strand). VCF-style: chr3-38697592-G-C. GRCh37 (hg19) VCF-style: chr3-38739083-G-C.
Other names: c.5625C>G, p.Thr1875= (NM_001293306.2); c.5334C>G, p.Thr1778= (NM_001293307.2).
Identifiers: ClinVar variation 700494 (VCV000700494.14), dbSNP rs147660344, ClinGen allele CA2319632.